The following is an entry in ClinVar:

ClinVar aggregate classification (germline): Pathogenic/Likely pathogenic. Review status: criteria provided, multiple submitters, no conflicts (2 of 4 stars). 2 submissions from 2 submitters: Pathogenic (1); Likely pathogenic (1). Last evaluated 2023-04-12.

Conditions:
VPS13A-related disorder. Also called: VPS13A-related condition.

gnomAD v4.1: 1 of 1,606,336 alleles (0.000062%); no homozygotes.

Submissions (2):

Blueprint Genetics
Classification: Likely pathogenic for VPS13A-related disorders. Last evaluated: 2023-04-12. Review status: criteria provided, single submitter. Criteria: ACMG Guidelines, 2015. Collection method: clinical testing. Allele origin: germline. Affected: yes. Observed: 2 variant alleles.

Labcorp Genetics (formerly Invitae), Labcorp
Classification: Pathogenic. Last evaluated: 2019-03-14. Review status: criteria provided, single submitter. Criteria: Invitae Variant Classification Sherloc (09022015). Collection method: clinical testing. Allele origin: germline.
Comment: For these reasons, this variant has been classified as Pathogenic. Loss-of-function variants in VPS13A are known to be pathogenic (PMID: 12404112, 21598378). This variant has been observed in an individual affected with chorea-acanthocytosis (PMID: 12404112). This variant is not present in population databases (ExAC no frequency). This sequence change creates a premature translational stop signal (p.Gln1053*) in the VPS13A gene. It is expected to result in an absent or disrupted protein product.

Literature cited by the submitters: PubMed 12404112 (cited by Labcorp Genetics (formerly Invitae), Labcorp); PubMed 21598378 (cited by Labcorp Genetics (formerly Invitae), Labcorp).

NM_033305.3(VPS13A):c.3157C>T (p.Gln1053Ter)

Gene: VPS13A (vacuolar protein sorting 13 homolog A; plus strand). Cytogenetic location: 9q21.2.
Variant type: single nucleotide variant.
Coding change: c.3157C>T on transcript NM_033305.3 (MANE Select); coding-DNA position 3157, C replaced by T.
Protein change: p.Gln1053Ter; replaces glutamine 1053 with a stop codon.
Molecular consequence: nonsense. On other transcripts: intron variant (1).
Genome position (GRCh38, 1-based): chr9:77,283,393, C>T. VCF-style: chr9-77283393-C-T. GRCh37 (hg19) VCF-style: chr9-79898309-C-T.
Other names: c.3157C>T, p.Gln1053Ter (NM_001018038.3, NM_015186.4); c.3119-154C>T (NM_001018037.2); short protein forms Q1053*.
Identifiers: ClinVar variation 849426 (VCV000849426.10), dbSNP rs766694176, ClinGen allele CA373846717.
Genomic context (GRCh38, chr9:77,283,393, plus strand): 5'-TAATATGAATTTTTTTTTGCAGCTTTAAAACTATCCACAAATGAAGATATCATTACTTTG[C>T]AGATTTTAGCAGAATTATCGTGTTTACAGATCTTTATTCAAGATCAGAAATGTAACATTT-3'